The following is an entry in ClinVar:

NM_006206.6(PDGFRA):c.2411G>A (p.Arg804Gln)

Gene: PDGFRA (platelet derived growth factor receptor alpha; plus strand). Cytogenetic location: 4q12.
Variant type: single nucleotide variant.
Coding change: c.2411G>A on transcript NM_006206.6 (MANE Select); coding-DNA position 2411, G replaced by A.
Protein change: p.Arg804Gln; replaces arginine 804 with glutamine.
Molecular consequence: missense variant.
Genome position (GRCh38, 1-based): chr4:54,285,458, G>A. VCF-style: chr4-54285458-G-A. GRCh37 (hg19) VCF-style: chr4-55151625-G-A.
Other names: c.2486G>A, p.Arg829Gln (NM_001347828.2); c.2411G>A, p.Arg804Gln (NM_001347829.2); c.2450G>A, p.Arg817Gln (NM_001347830.2); short protein forms R804Q, R817Q, R829Q.
Identifiers: ClinVar variation 407409 (VCV000407409.11), dbSNP rs571523023, ClinGen allele CA2922849.

ClinVar aggregate classification (germline): Conflicting classifications of pathogenicity. Review status: criteria provided, conflicting classifications (1 of 4 stars). 4 submissions from 4 submitters: Uncertain significance (2); Benign (1); Likely benign (1). Last evaluated 2026-06-15.

Conditions:
Polyps, multiple and recurrent inflammatory fibroid, gastrointestinal. Identifiers: MedGen C5193005, MONDO:0008285, OMIM 175510.
Hereditary cancer-predisposing syndrome. Also called: Neoplastic Syndromes, Hereditary; Hereditary Cancer Syndrome; Hereditary neoplastic syndrome; Tumor predisposition. Identifiers: Orphanet 140162, MedGen C0027672, MeSH D009386, MONDO:0015356.
Gastrointestinal stromal tumor. Also called: Gastrointestinal stromal tumor, somatic; Gastrointestinal stroma tumor. Identifiers: Orphanet 44890, MedGen C0238198, MeSH D046152, MONDO:0011719, OMIM 606764, HP:0100723.

Allele frequency attached by ClinVar (database versions not stated): TOPMed 0.00001; ExAC 0.00002; gnomAD 0.00002 and 0.00003; gnomAD exomes 0.00002 and 0.00007.
gnomAD v4.1: 38 of 1,554,330 alleles (0.0024%); highest among the groups gnomAD compares: South Asian, 0.027%; no homozygotes.

Submissions (4):

Myriad Genetics, Inc.
Classification: Likely benign for Polyps, multiple and recurrent inflammatory fibroid, gastrointestinal. Last evaluated: 2026-06-15. Review status: criteria provided, single submitter. Criteria: Myriad Autosomal Dominant, Autosomal Recessive and X-Linked Classification Criteria (2023). Collection method: clinical testing. Allele origin: unknown.
Comment: This variant is considered likely benign. This variant has been observed at a population frequency that is significantly greater than expected given the associated disease prevalence and penetrance.

Labcorp Genetics (formerly Invitae), Labcorp
Classification: Uncertain significance for Gastrointestinal stromal tumor. Last evaluated: 2024-11-24. Review status: criteria provided, single submitter. Criteria: Invitae Variant Classification Sherloc (09022015). Collection method: clinical testing. Allele origin: germline.
Comment: This sequence change replaces arginine, which is basic and polar, with glutamine, which is neutral and polar, at codon 804 of the PDGFRA protein (p.Arg804Gln). This variant is present in population databases (rs571523023, gnomAD 0.05%), and has an allele count higher than expected for a pathogenic variant. This variant has not been reported in the literature in individuals affected with PDGFRA-related conditions. ClinVar contains an entry for this variant (Variation ID: 407409). Invitae Evidence Modeling of protein sequence and biophysical properties (such as structural, functional, and spatial information, amino acid conservation, physicochemical variation, residue mobility, and thermodynamic stability) indicates that this missense variant is not expected to disrupt PDGFRA protein function with a negative predictive value of 80%. In summary, the available evidence is currently insufficient to determine the role of this variant in disease. Therefore, it has been classified as a Variant of Uncertain Significance.

Ambry Genetics
Classification: Benign for Hereditary cancer-predisposing syndrome. Last evaluated: 2024-10-28. Review status: criteria provided, single submitter. Criteria: Ambry Variant Classification Scheme 2023. Collection method: clinical testing. Allele origin: germline.

Baylor Genetics
Classification: Uncertain significance for Polyps, multiple and recurrent inflammatory fibroid, gastrointestinal. Last evaluated: 2024-03-11. Review status: criteria provided, single submitter. Criteria: ACMG Guidelines, 2015. Collection method: clinical testing. Allele origin: unknown.